The following is an entry in ClinVar:

NM_020937.4(FANCM):c.3500T>C (p.Ile1167Thr)

Gene: FANCM (FA complementation group M; plus strand). Cytogenetic location: 14q21.2.
Variant type: single nucleotide variant.
Coding change: c.3500T>C on transcript NM_020937.4 (MANE Select); coding-DNA position 3500, T replaced by C.
Protein change: p.Ile1167Thr; replaces isoleucine 1167 with threonine.
Molecular consequence: missense variant.
Genome position (GRCh38, 1-based): chr14:45,176,254, T>C. VCF-style: chr14-45176254-T-C. GRCh37 (hg19) VCF-style: chr14-45645457-T-C.
Other names: c.3422T>C, p.Ile1141Thr (NM_001308133.2); short protein forms I1167T, I1141T.
Identifiers: ClinVar variation 1034753 (VCV001034753.8), dbSNP rs1888687169, ClinGen allele CA389601810.

ClinVar aggregate classification (germline): Uncertain significance (1 of 4 stars; one submission).

Conditions:
Fanconi anemia (FA). Also called: Fanconi's anemia. Identifiers: Orphanet 84, MedGen C0015625, MeSH D005199, MONDO:0019391.

Allele frequency attached by ClinVar (database versions not stated): gnomAD exomes 0.00001.

Submission:

Labcorp Genetics (formerly Invitae), Labcorp
Classification: Uncertain significance for Fanconi anemia. Last evaluated: 2025-09-30. Review status: criteria provided, single submitter. Criteria: Invitae Variant Classification Sherloc (09022015). Collection method: clinical testing. Allele origin: germline.
Comment: This sequence change replaces isoleucine, which is neutral and non-polar, with threonine, which is neutral and polar, at codon 1167 of the FANCM protein (p.Ile1167Thr). This variant is not present in population databases (gnomAD no frequency). This variant has not been reported in the literature in individuals affected with FANCM-related conditions. ClinVar contains an entry for this variant (Variation ID: 1034753). An algorithm developed to predict the effect of missense changes on protein structure and function outputs the following: PolyPhen-2: "Benign". The threonine amino acid residue is found in multiple mammalian species, which suggests that this missense change does not adversely affect protein function. In summary, the available evidence is currently insufficient to determine the role of this variant in disease. Therefore, it has been classified as a Variant of Uncertain Significance.